The following is an entry in ClinVar:

NM_024757.5(EHMT1):c.2018+1G>T

Gene: EHMT1 (euchromatic histone lysine methyltransferase 1; plus strand). Cytogenetic location: 9q34.3.
Variant type: single nucleotide variant.
Coding change: c.2018+1G>T on transcript NM_024757.5 (MANE Select); the canonical splice donor site of the intron after coding-DNA position 2018, G replaced by T.
Molecular consequence: splice donor variant.
Genome position (GRCh38, 1-based): chr9:137,776,845, G>T. VCF-style: chr9-137776845-G-T. GRCh37 (hg19) VCF-style: chr9-140671297-G-T.
Other names: c.1997+1G>T (NM_001354263.2); c.1925+1G>T (NM_001354259.2); c.2018+1G>T (NM_001145527.2).
Identifiers: ClinVar variation 3376291 (VCV003376291.1).
Genomic context (GRCh38, chr9:137,776,845, plus strand): 5'-AGTCCCCGGGCAGGAGAAGGGCTCGGCCCTGGAGGGCAGGGCCGACACCACAACGGGCAG[G>T]TACCTGGCACAGGCTCTGGCTGGGCTCTCCAGTCGTCCACCTGAAAAAGTTTCAGTTGTT-3'

ClinVar aggregate classification (germline): Likely pathogenic (1 of 4 stars; one submission).

Conditions:
Kleefstra syndrome 1 (KLEFS1). Identifiers: Orphanet 261494, MedGen C0795833, MONDO:0027407, OMIM 610253.

Submission:

Pittsburgh Clinical Genomics Laboratory, University of Pittsburgh Medical Center
Classification: Likely pathogenic for Kleefstra syndrome 1. Last evaluated: 2022-05-25. Review status: criteria provided, single submitter. Criteria: ACMG Guidelines, 2015. Collection method: clinical testing. Allele origin: germline. Inheritance: Autosomal dominant inheritance. Affected: yes.
Comment: This sequence variant is a single nucleotide substitution (G>T) at the +1 canonical splice site of intron 12 in the EHMT1 gene. Disruption of this canonical splice site is expected to generate a non-functiol allele through either the expression of a truncated protein or a loss of EHMT1 expression due to nonsense mediated decay. This variant is absent from online datasets of clinically annotated variants (ClinVar) and has not been observed in individuals with EHMT1-related disease in the published literature, to our knowledge. However, a similar variant at this position (EHMT1 c.2018+1G>C) was observed in an individual with Kleefstra syndrome (PMID: 33288889). This variant is absent from control population datasets (gnomAD database, 0 of 250,000 alleles). Multiple bioinformatic tools predict that this G to T substitution will disrupt the proper splicing of EHMT1, and G at this position is strongly conserved across the vertebrate species examined. Studies examining the functiol consequence of this variant have not been published, to our knowledge. Given this information, we consider this a likely pathogenic variant. ACMG Criteria: PM2, PVS1

Literature cited by the submitters: PubMed 33288889.